The following is an entry in ClinVar:

ClinVar aggregate classification (germline): Likely benign (0 of 4 stars; one submission).

Conditions:
MMP21-related disorder. Also called: MMP21-related condition.

Allele frequency attached by ClinVar (database versions not stated): TOPMed 0.00001; gnomAD exomes 0.00004; gnomAD 0.00005; ESP Exome Variant Server 0.00008; ExAC 0.00010.

Submission:

PreventionGenetics, part of Exact Sciences
Classification: Likely benign for MMP21-related condition. Last evaluated: 2019-07-03. Review status: no assertion criteria provided. Collection method: clinical testing. Allele origin: germline.
Comment: This variant is classified as likely benign based on ACMG/AMP sequence variant interpretation guidelines (Richards et al. 2015 PMID: 25741868, with internal and published modifications).

NM_147191.1(MMP21):c.1359G>A (p.Thr453=)

Gene: MMP21 (matrix metallopeptidase 21; minus strand). Cytogenetic location: 10q26.2.
Variant type: single nucleotide variant.
Coding change: c.1359G>A on transcript NM_147191.1 (MANE Select); coding-DNA position 1359, G replaced by A.
Protein change: p.Thr453=; no amino-acid change (threonine 453 retained).
Molecular consequence: synonymous variant.
Genome position (GRCh38, 1-based): chr10:125,767,583, C>T on the plus strand (G>A on the coding strand, the complement: MMP21 is on the minus strand). VCF-style: chr10-125767583-C-T. GRCh37 (hg19) VCF-style: chr10-127456152-C-T.
Identifiers: ClinVar variation 3043541 (VCV003043541.2), dbSNP rs376939361, ClinGen allele CA5737939.
Genomic context (GRCh38, chr10:125,767,583, plus strand): 5'-TCTACTTACAAGGGACTCCTTGAAGAAGTAAATTAACTTCTGTCTTCGGTCATAAAACGC[C>T]GTGTCTAGGGGACTTGGGATGCCAGGAAATCCTTCTGAAATCAATTTGGGATAGCTTTTT-3'
Protein context (NP_671724.1, residues 443-463): GFPGIPSPLD[Thr453=]AFYDRRQKLI